The following is an entry in ClinVar:

NM_201384.3(PLEC):c.11876G>A (p.Arg3959His)

Gene: PLEC (plectin; minus strand). Cytogenetic location: 8q24.3.
Variant type: single nucleotide variant.
Coding change: c.11876G>A on transcript NM_201384.3 (MANE Select); coding-DNA position 11876, G replaced by A.
Protein change: p.Arg3959His; replaces arginine 3959 with histidine.
Molecular consequence: missense variant.
Genome position (GRCh38, 1-based): chr8:143,917,945, C>T on the plus strand (G>A on the coding strand, the complement: PLEC is on the minus strand). VCF-style: chr8-143917945-C-T. GRCh37 (hg19) VCF-style: chr8-144992113-C-T.
Other names: c.11957G>A, p.Arg3986His (NM_000445.5); c.11834G>A, p.Arg3945His (NM_201378.4); c.11810G>A, p.Arg3937His (NM_201379.3); c.12287G>A, p.Arg4096His (NM_201380.4); c.11780G>A, p.Arg3927His (NM_201381.3); c.11876G>A, p.Arg3959His (NM_201382.4); c.11888G>A, p.Arg3963His (NM_201383.3); short protein forms R4096H, R3945H, R3963H, R3986H, R3927H, R3937H, R3959H.
Identifiers: ClinVar variation 598486 (VCV000598486.14), dbSNP rs782457644, ClinGen allele CA4924226.

ClinVar aggregate classification (germline): Uncertain significance. Review status: criteria provided, multiple submitters, no conflicts (2 of 4 stars). 3 submissions from 3 submitters: Uncertain significance (3). Last evaluated 2025-03-17.

Conditions:
Epidermolysis bullosa simplex 5B, with muscular dystrophy (EBS5B). Also called: Epidermolysis bullosa simplex with muscular dystrophy; EPIDERMOLYSIS BULLOSA SIMPLEX AND LIMB-GIRDLE MUSCULAR DYSTROPHY. Identifiers: Orphanet 257, MedGen C2931072, MONDO:0009181, OMIM 226670.
Epidermolysis bullosa simplex, Ogna type (EBS5A). Also called: Pidermolysis bullosa simplex 5A, Ogna type; EPIDERMOLYSIS BULLOSA SIMPLEX 5A, OGNA TYPE. Identifiers: Orphanet 79401, MedGen C0432317, MONDO:0007555, OMIM 131950.
Epidermolysis bullosa simplex with nail dystrophy (EBS5D). Identifiers: MedGen C4225309, MONDO:0014661, OMIM 616487.
Autosomal recessive limb-girdle muscular dystrophy type 2Q (LGMDR17). Also called: MUSCULAR DYSTROPHY, LIMB-GIRDLE, AUTOSOMAL RECESSIVE 17. Identifiers: Orphanet 254361, MedGen C3150989, MONDO:0013390, OMIM 613723.
Epidermolysis bullosa simplex 5C, with pyloric atresia (EBS5C). Also called: PLEC-Related Epidermolysis Bullosa with Pyloric Atresia; Epidermolysis bullosa simplex with pyloric atresia; PLEC1-Related Epidermolysis Bullosa with Pyloric Atresia. Identifiers: Orphanet 158684, MedGen C2677349, MONDO:0012807, OMIM 612138.

Allele frequency attached by ClinVar (database versions not stated): ExAC 0.00001; gnomAD 0.00001; gnomAD exomes 0.00001 and 0.00002.
gnomAD v4.1: 33 of 1,612,734 alleles (0.002%); highest among the groups gnomAD compares: Non-Finnish European, 0.0023%; no homozygotes.

Submissions (3):

Revvity Omics, Revvity
Classification: Uncertain significance. Last evaluated: 2025-03-17. Review status: criteria provided, single submitter. Criteria: ACMG Guidelines, 2015. Collection method: clinical testing. Allele origin: germline.

Labcorp Genetics (formerly Invitae), Labcorp
Classification: Uncertain significance for Autosomal recessive limb-girdle muscular dystrophy type 2Q; Epidermolysis bullosa simplex, Ogna type; Epidermolysis bullosa simplex with nail dystrophy; Epidermolysis bullosa simplex 5C, with pyloric atresia; Epidermolysis bullosa simplex 5B, with muscular dystrophy. Last evaluated: 2024-09-09. Review status: criteria provided, single submitter. Criteria: Invitae Variant Classification Sherloc (09022015). Collection method: clinical testing. Allele origin: germline.
Comment: This sequence change replaces arginine, which is basic and polar, with histidine, which is basic and polar, at codon 3986 of the PLEC protein (p.Arg3986His). This variant is present in population databases (rs782457644, gnomAD 0.003%). This variant has not been reported in the literature in individuals affected with PLEC-related conditions. ClinVar contains an entry for this variant (Variation ID: 598486). Invitae Evidence Modeling of protein sequence and biophysical properties (such as structural, functional, and spatial information, amino acid conservation, physicochemical variation, residue mobility, and thermodynamic stability) has been performed for this missense variant. However, the output from this modeling did not meet the statistical confidence thresholds required to predict the impact of this variant on PLEC protein function. In summary, the available evidence is currently insufficient to determine the role of this variant in disease. Therefore, it has been classified as a Variant of Uncertain Significance.

Eurofins Ntd Llc (ga)
Classification: Uncertain significance. Last evaluated: 2018-08-23. Review status: criteria provided, single submitter. Criteria: EGL ClinVar v180209 classification definitions. Collection method: clinical testing. Allele origin: germline. Observed: 1 variant allele, 1 heterozygote.